The following is an entry in ClinVar:

ClinVar aggregate classification (germline): Conflicting classifications of pathogenicity. Review status: criteria provided, conflicting classifications (1 of 4 stars). 2 submissions from 2 submitters: Uncertain significance (1); Benign (1). Last evaluated 2024-11-04.

Conditions:
Multiple endocrine neoplasia, type 1 (MEN1). Also called: MEA I; MEN I; WERMER SYNDROME; Endocrine adenomatosis multiple; MEN 1. Identifiers: Orphanet 652, MedGen C0025267, MeSH D018761, MONDO:0007540, OMIM 131100.

Submissions (2):

Myriad Genetics, Inc.
Classification: Benign for Multiple endocrine neoplasia, type 1. Last evaluated: 2024-11-04. Review status: criteria provided, single submitter. Criteria: Myriad Autosomal Dominant, Autosomal Recessive and X-Linked Classification Criteria (2023). Collection method: clinical testing. Allele origin: unknown.
Comment: This variant is considered benign. This variant is a silent/synonymous amino acid change and it is not expected to impact splicing.

Labcorp Genetics (formerly Invitae), Labcorp
Classification: Uncertain significance for Multiple endocrine neoplasia, type 1. Last evaluated: 2023-10-13. Review status: criteria provided, single submitter. Criteria: Invitae Variant Classification Sherloc (09022015). Collection method: clinical testing. Allele origin: germline.
Comment: This sequence change affects codon 366 of the MEN1 mRNA. It is a 'silent' change, meaning that it does not change the encoded amino acid sequence of the MEN1 protein. This variant is not present in population databases (gnomAD no frequency). This variant has not been reported in the literature in individuals affected with MEN1-related conditions. Algorithms developed to predict the effect of sequence changes on RNA splicing suggest that this variant may create or strengthen a splice site. In summary, the available evidence is currently insufficient to determine the role of this variant in disease. Therefore, it has been classified as a Variant of Uncertain Significance.

NM_001370259.2(MEN1):c.1098A>G (p.Glu366=)

Gene: MEN1 (menin 1; minus strand). Cytogenetic location: 11q13.1.
Variant type: single nucleotide variant.
Coding change: c.1098A>G on transcript NM_001370259.2 (MANE Select); coding-DNA position 1098, A replaced by G.
Protein change: p.Glu366=; no amino-acid change (glutamic acid 366 retained).
Molecular consequence: synonymous variant. On other transcripts: non-coding transcript variant (4).
Genome position (GRCh38, 1-based): chr11:64,805,722, T>C on the plus strand (A>G on the coding strand, the complement: MEN1 is on the minus strand). VCF-style: chr11-64805722-T-C. GRCh37 (hg19) VCF-style: chr11-64573194-T-C.
Other names: c.1224A>G, p.Glu408= (NM_001407144.1, NM_001370251.2, NM_001407142.1 and 1 more transcripts); c.1113A>G, p.Glu371= (NM_001407145.1, NM_130800.3, NM_130801.3 and 4 more transcripts); c.1098A>G, p.Glu366= (NM_001407146.1, NM_001407147.1, NM_001407152.1 and 3 more transcripts); c.993A>G, p.Glu331= (NM_001407148.1, NM_001407149.1, NM_001370262.2 and 1 more transcripts); c.1239A>G, p.Glu413= (NM_001407150.1); c.1119A>G, p.Glu373= (NM_001407151.1).
Identifiers: ClinVar variation 2767847 (VCV002767847.4), dbSNP rs149383809, ClinGen allele CA474983132.
Genomic context (GRCh38, chr11:64,805,722, plus strand): 5'-GCCCGCCTCCAGCAAGCTGGCTGCCTCCTTCAGCAGGTTGGGGATGACATCATTGGCTAC[T>C]TCAAAGAACTCCTTGTAGATCTCCTCGTCTTCCCGGCAGTAGTTGTAGCTGTGAGAGCAG-3'
Protein context (NP_001357188.2, residues 356-376): EDEEIYKEFF[Glu366=]VANDVIPNLL